The following is an entry in ClinVar:

NM_018896.5(CACNA1G):c.577C>T (p.Arg193Trp)

Gene: CACNA1G (calcium voltage-gated channel subunit alpha1 G; plus strand). Cytogenetic location: 17q21.33.
Variant type: single nucleotide variant.
Coding change: c.577C>T on transcript NM_018896.5 (MANE Select); coding-DNA position 577, C replaced by T.
Protein change: p.Arg193Trp; replaces arginine 193 with tryptophan.
Molecular consequence: missense variant. On other transcripts: non-coding transcript variant (5).
Genome position (GRCh38, 1-based): chr17:50,569,794, C>T. VCF-style: chr17-50569794-C-T. GRCh37 (hg19) VCF-style: chr17-48647155-C-T.
Other names: c.577C>T, p.Arg193Trp (NM_001256324.2, NM_001256325.2, NM_001256326.2 and 24 more transcripts); short protein forms R193W.
Identifiers: ClinVar variation 4851440 (VCV004851440.1).
Genomic context (GRCh38, chr17:50,569,794, plus strand): 5'-AACGTCAGCTTCTCAGCTGTCAGGACAGTCCGTGTGCTGCGACCGCTCAGGGCCATTAAC[C>T]GGGTGCCCAGTGAGTGACCCCTCAGCCCTCAGCCCCTGAAGAGAGCCCCAGGAGGAAATG-3'
Protein context (NP_061496.2, residues 183-203): RVLRPLRAIN[Arg193Trp]VPSMRILVTL

ClinVar aggregate classification (germline): Uncertain significance (1 of 4 stars; one submission).

Conditions:
Spinocerebellar ataxia type 42. Identifiers: Orphanet 458803, MedGen C4225205, MONDO:0014776, OMIM 616795.

Submission:

Institute of Immunology and Genetics Kaiserslautern
Classification: Uncertain significance for Spinocerebellar ataxia type 42. Last evaluated: 2025-11-03. Review status: criteria provided, single submitter. Criteria: ACMG Guidelines, 2015. Collection method: clinical testing. Allele origin: germline. Affected: yes.
Comment: ACMG Criteria: PM2_P, PP3; Variant was found in heterozygous state.